The following is an entry in ClinVar:

ClinVar aggregate classification (germline): Uncertain significance (1 of 4 stars; one submission).

Submission:

Labcorp Genetics (formerly Invitae), Labcorp
Classification: Uncertain significance. Last evaluated: 2024-03-12. Review status: criteria provided, single submitter. Criteria: Invitae Variant Classification Sherloc (09022015). Collection method: clinical testing. Allele origin: germline.
Comment: This sequence change creates a premature translational stop signal (p.Gln413Thrfs*6) in the ABCD3 gene. It is expected to result in an absent or disrupted protein product. However, the current clinical and genetic evidence is not sufficient to establish whether loss-of-function variants in ABCD3 cause disease. This variant is not present in population databases (gnomAD no frequency). This variant has not been reported in the literature in individuals affected with ABCD3-related conditions. In summary, the available evidence is currently insufficient to determine the role of this variant in disease. Therefore, it has been classified as a Variant of Uncertain Significance.

NM_002858.4(ABCD3):c.1237_1238del (p.Gln413fs)

Gene: ABCD3 (ATP binding cassette subfamily D member 3; plus strand). Cytogenetic location: 1p21.3.
Variant type: Microsatellite.
Coding change: c.1237_1238del on transcript NM_002858.4 (MANE Select); coding-DNA positions 1237 to 1238, 2 bases deleted (CA; older notation c.1237_1238delCA).
Protein change: p.Gln413fs; shifts the reading frame from glutamine 413.
Molecular consequence: frameshift variant.
Genome position (GRCh38, 1-based): chr1:94,489,804-94,489,805, CA deleted; deleting any 2 consecutive bases within chr1:94,489,802-94,489,805 gives the same sequence; the c. name uses the placement nearest the transcript's 3' end. VCF-style (leftmost placement, unchanged base first): chr1-94489801-TCA-T. GRCh37 (hg19) VCF-style: chr1-94955357-TCA-T.
Other names: short protein forms Q413fs.
Identifiers: ClinVar variation 3604509 (VCV003604509.2).